The following is an entry in ClinVar:

NM_001355436.2(SPTB):c.1064+1G>A

Gene: SPTB (spectrin beta, erythrocytic; minus strand). Cytogenetic location: 14q23.3.
Variant type: single nucleotide variant.
Coding change: c.1064+1G>A on transcript NM_001355436.2 (MANE Select); the canonical splice donor site of the intron after coding-DNA position 1064, G replaced by A.
Molecular consequence: splice donor variant.
Genome position (GRCh38, 1-based): chr14:64,799,746, C>T on the plus strand (G>A on the coding strand, the complement: SPTB is on the minus strand). VCF-style: chr14-64799746-C-T. GRCh37 (hg19) VCF-style: chr14-65266464-C-T.
Other names: c.1064+1G>A (NM_001024858.4, NM_001355437.2).
Identifiers: ClinVar variation 2438395 (VCV002438395.4), dbSNP rs2503197798, ClinGen allele CA390028613.

ClinVar aggregate classification (germline): Pathogenic. Review status: criteria provided, multiple submitters, no conflicts (2 of 4 stars). 2 submissions from 2 submitters: Pathogenic (2). Last evaluated 2026-01-30.

Submissions (2):

Labcorp Genetics (formerly Invitae), Labcorp
Classification: Pathogenic. Last evaluated: 2026-01-30. Review status: criteria provided, single submitter. Criteria: Invitae Variant Classification Sherloc (09022015). Collection method: clinical testing. Allele origin: germline.
Comment: This sequence change affects a donor splice site in intron 8 of the SPTB gene. It is expected to disrupt RNA splicing. Variants that disrupt the donor or acceptor splice site typically lead to a loss of protein function (PMID: 16199547), and loss-of-function variants in SPTB are known to be pathogenic (PMID: 1391962, 1498324, 8844207, 26830532, 27292444). This variant is not present in population databases (gnomAD no frequency). Disruption of this splice site has been observed in individual(s) with hereditary spherocytosis (PMID: 33943044). It has also been observed to segregate with disease in related individuals. ClinVar contains an entry for this variant (Variation ID: 2438395). Algorithms developed to predict the effect of sequence changes on RNA splicing suggest that this variant may disrupt the consensus splice site. For these reasons, this variant has been classified as Pathogenic.

Revvity Omics, Revvity
Classification: Pathogenic. Last evaluated: 2023-05-04. Review status: criteria provided, single submitter. Criteria: ACMG Guidelines, 2015. Collection method: clinical testing. Allele origin: germline.

Literature cited by the submitters: PubMed 16199547 (cited by Labcorp Genetics (formerly Invitae), Labcorp); PubMed 1391962 (cited by Labcorp Genetics (formerly Invitae), Labcorp); PubMed 1498324 (cited by Labcorp Genetics (formerly Invitae), Labcorp); PubMed 8844207 (cited by Labcorp Genetics (formerly Invitae), Labcorp); PubMed 26830532 (cited by Labcorp Genetics (formerly Invitae), Labcorp); PubMed 27292444 (cited by Labcorp Genetics (formerly Invitae), Labcorp); PubMed 33943044 (cited by Labcorp Genetics (formerly Invitae), Labcorp).